The following is an entry in ClinVar:

NM_152594.3(SPRED1):c.443C>G (p.Ser148Cys)

Gene: SPRED1 (sprouty related EVH1 domain containing 1; plus strand). Cytogenetic location: 15q14.
Variant type: single nucleotide variant.
Coding change: c.443C>G on transcript NM_152594.3 (MANE Select); coding-DNA position 443, C replaced by G.
Protein change: p.Ser148Cys; replaces serine 148 with cysteine.
Molecular consequence: missense variant.
Genome position (GRCh38, 1-based): chr15:38,339,756, C>G. VCF-style: chr15-38339756-C-G. GRCh37 (hg19) VCF-style: chr15-38631957-C-G.
Other names: short protein forms S148C.
Identifiers: ClinVar variation 4865050 (VCV004865050.1).
Genomic context (GRCh38, chr15:38,339,756, plus strand): 5'-TTTATTCTGGCAACTAATGCATTGAGGGTTGTTCCCAATAGGCAAATGAAGAGGATTCTT[C>G]CAGTTCTCTAGTGAAGGATCACCTTTTTCAGCAAGAGACAGTTGTTACCAGTGAGCCTTA-3'
Protein context (NP_689807.1, residues 138-158): DDLQANEEDS[Ser148Cys]SSLVKDHLFQ

ClinVar aggregate classification (germline): Uncertain significance (1 of 4 stars; one submission).

Conditions:
Cardiovascular phenotype. Identifiers: MedGen CN230736.

Submission:

Ambry Genetics
Classification: Uncertain significance for Cardiovascular phenotype. Last evaluated: 2026-06-08. Review status: criteria provided, single submitter. Criteria: Ambry Variant Classification Scheme 2023. Collection method: clinical testing. Allele origin: germline.
Comment: The p.S148C variant (also known as c.443C>G), located in coding exon 5 of the SPRED1 gene, results from a C to G substitution at nucleotide position 443. The serine at codon 148 is replaced by cysteine, an amino acid with dissimilar properties. This amino acid position is conserved. In addition, the in silico prediction for this alteration is inconclusive. Based on the available evidence, the clinical significance of this variant remains unclear.